The following is an entry in ClinVar:

NM_000254.3(MTR):c.3474G>A (p.Leu1158=)

Gene: MTR (5-methyltetrahydrofolate-homocysteine methyltransferase; plus strand). Cytogenetic location: 1q43.
Variant type: single nucleotide variant.
Coding change: c.3474G>A on transcript NM_000254.3 (MANE Select); coding-DNA position 3474, G replaced by A.
Protein change: p.Leu1158=; no amino-acid change (leucine 1158 retained).
Molecular consequence: synonymous variant.
Genome position (GRCh38, 1-based): chr1:236,895,426, G>A. VCF-style: chr1-236895426-G-A. GRCh37 (hg19) VCF-style: chr1-237058726-G-A.
Other names: p.L1158L:CTG>CTA; c.3321G>A, p.Leu1107= (NM_001291939.1); c.2253G>A, p.Leu751= (NM_001291940.2).
Identifiers: ClinVar variation 138282 (VCV000138282.46), dbSNP rs142113735, ClinGen allele CA292205.

ClinVar aggregate classification (germline): Benign/Likely benign. Review status: criteria provided, multiple submitters, no conflicts (2 of 4 stars). 10 submissions from 10 submitters: Benign (5); Likely benign (2). 3 of the submissions do not count toward it. Last evaluated 2026-03-01.

Conditions:
MTR-related disorder. Also called: MTR-related condition.
Disorders of Intracellular Cobalamin Metabolism. Identifiers: MedGen CN043592.
Methylcobalamin deficiency type cblG (HMAG). Also called: HOMOCYSTINURIA-MEGALOBLASTIC ANEMIA, cblG TYPE; Functional methionine synthase deficiency type cblG; HOMOCYSTINURIA-MEGALOBLASTIC ANEMIA DUE TO DEFECT IN COBALAMIN METABOLISM, cblG COMPLEMENTATION TYPE; HOMOCYSTINURIA-MEGALOBLASTIC ANEMIA, cblG COMPLEMENTATION TYPE. Identifiers: Orphanet 2170, Orphanet 622, MedGen C1855128, MONDO:0009609, OMIM 250940.
Neural tube defects, folate-sensitive (NTDFS). Also called: NTD, FOLATE-SENSITIVE. Identifiers: Orphanet 823, MedGen C1866558, MONDO:0011120, OMIM 601634.

Allele frequency attached by ClinVar (database versions not stated): 1000 Genomes Project 30x 0.00265; 1000 Genomes Project 0.00280; ESP Exome Variant Server 0.00462; gnomAD exomes 0.00480 and 0.00616; gnomAD 0.00496 and 0.00510; TOPMed 0.00504; ExAC 0.00735.
gnomAD v4.1: 9,618 of 1,604,632 alleles (0.6%); highest among the groups gnomAD compares: Middle Eastern, 1.1%; 39 homozygotes.

Submissions (10):

CeGaT Center for Human Genetics Tuebingen
Classification: Likely benign. Last evaluated: 2026-03-01. Review status: criteria provided, single submitter. Criteria: CeGaT Center For Human Genetics Tuebingen Variant Classification Criteria Version 2. Collection method: clinical testing. Allele origin: germline. Affected: yes. Observed: 10 variant alleles.
Comment: MTR: BP4, BP7, BS2

Labcorp Genetics (formerly Invitae), Labcorp
Classification: Benign for Methylcobalamin deficiency type cblG. Last evaluated: 2026-02-01. Review status: criteria provided, single submitter. Criteria: Invitae Variant Classification Sherloc (09022015). Collection method: clinical testing. Allele origin: germline.

Women's Health and Genetics/Laboratory Corporation of America, LabCorp
Classification: Benign. Last evaluated: 2024-07-02. Review status: criteria provided, single submitter. Criteria: LabCorp Variant Classification Summary - May 2015. Collection method: clinical testing. Allele origin: germline.

Fulgent Genetics
Classification: Likely benign for Methylcobalamin deficiency type cblG; Neural tube defects, folate-sensitive. Last evaluated: 2022-01-21. Review status: criteria provided, single submitter. Criteria: ACMG Guidelines, 2015. Collection method: clinical testing. Allele origin: unknown.

Illumina Laboratory Services, Illumina
Classification: Benign for Disorders of Intracellular Cobalamin Metabolism. Last evaluated: 2018-01-13. Review status: criteria provided, single submitter. Criteria: ICSL Variant Classification Criteria 13 December 2019. Collection method: clinical testing. Allele origin: germline.
Comment: This variant was observed in the ICSL laboratory as part of a predisposition screen in an ostensibly healthy population. It had not been previously curated by ICSL or reported in the Human Gene Mutation Database (HGMD: prior to June 1st, 2018), and was therefore a candidate for classification through an automated scoring system. Utilizing variant allele frequency, disease prevalence and penetrance estimates, and inheritance mode, an automated score was calculated to assess if this variant is too frequent to cause the disease. Based on the score and internal cut-off values, a variant classified as benign is not then subjected to further curation. The score for this variant resulted in a classification of benign for this disease.

GeneDx
Classification: Benign. Last evaluated: 2013-12-31. Review status: criteria provided, single submitter. Criteria: GeneDx Variant Classification (06012015). Collection method: clinical testing. Allele origin: germline. Affected: yes.
Comment: This variant is considered likely benign or benign based on one or more of the following criteria: it is a conservative change, it occurs at a poorly conserved position in the protein, it is predicted to be benign by multiple in silico algorithms, and/or has population frequency not consistent with disease.

Breakthrough Genomics
Classification: Benign. Review status: criteria provided, single submitter. Criteria: ACMG Guidelines, 2015. Collection method: not provided. Allele origin: germline. Inheritance: Autosomal recessive inheritance. Affected: yes.

PreventionGenetics, part of Exact Sciences
Classification: Benign for MTR-related condition. Last evaluated: 2019-11-19. Review status: no assertion criteria provided. Collection method: clinical testing. Allele origin: germline. Not counted in ClinVar's aggregate classification.
Comment: This variant is classified as benign based on ACMG/AMP sequence variant interpretation guidelines (Richards et al. 2015 PMID: 25741868, with internal and published modifications).

Clinical Genetics DNA and cytogenetics Diagnostics Lab, Erasmus MC, Erasmus Medical Center
Classification: Benign. Review status: no assertion criteria provided. Collection method: clinical testing. Allele origin: germline. Affected: yes. Study: VKGL Data-share Consensus. Not counted in ClinVar's aggregate classification.

Clinical Genetics, Academic Medical Center
Classification: Likely benign. Review status: no assertion criteria provided. Collection method: clinical testing. Allele origin: germline. Affected: yes. Study: VKGL Data-share Consensus. Not counted in ClinVar's aggregate classification.